The following is an entry in ClinVar:

NM_001040108.2(MLH3):c.4091-13_4091-10del

Gene: MLH3 (mutL homolog 3; minus strand). Cytogenetic location: 14q24.3.
Variant type: Deletion.
Coding change: c.4091-13_4091-10del on transcript NM_001040108.2 (MANE Select); 13 bases into the intron before coding-DNA position 4091 through 10 bases into the intron before coding-DNA position 4091, 4 bases deleted (GTCT; older notation c.4091-13_4091-10delGTCT).
Molecular consequence: intron variant.
Genome position (GRCh38, 1-based): chr14:75,018,990-75,018,993, AGAC deleted on the plus strand (GTCT on the coding strand, the reverse complement: MLH3 is on the minus strand); deleting any 4 consecutive bases within chr14:75,018,990-75,018,996 gives the same sequence; the c. name uses the placement nearest the transcript's 3' end. VCF-style (leftmost placement, unchanged base first): chr14-75018989-AAGAC-A. GRCh37 (hg19) VCF-style: chr14-75485692-AAGAC-A.
Other names: c.4019-13_4019-10del (NM_014381.3).
Identifiers: ClinVar variation 2885305 (VCV002885305.4), dbSNP rs1383069235, ClinGen allele CA708524023.
Genomic context (GRCh38, chr14:75,018,989, plus strand): 5'-ATAAGGCGGCAACTTTCCTGTAAGCTCAGGCCATCATTAAACTTAATGGCCCCTAAATGA[AAGAC>A]AGAAACAAGAAGGTTATAGTGTATATAGTGGGAAACCAATGCTGACCTTGGGTCACTGCC-3'

ClinVar aggregate classification (germline): Likely benign. Review status: criteria provided, multiple submitters, no conflicts (2 of 4 stars). 2 submissions from 2 submitters: Likely benign (2). Last evaluated 2026-09-11.

Conditions:
Colorectal cancer, hereditary nonpolyposis, type 7. Identifiers: Orphanet 144, MedGen C1858380, MONDO:0013725, OMIM 614385.

Submissions (2):

Myriad Genetics, Inc.
Classification: Likely benign for Colorectal cancer, hereditary nonpolyposis, type 7. Last evaluated: 2026-09-11. Review status: criteria provided, single submitter. Criteria: Myriad Autosomal Dominant, Autosomal Recessive and X-Linked Classification Criteria (2023). Collection method: clinical testing. Allele origin: unknown.
Comment: This variant is considered likely benign. This variant is intronic and is not expected to impact mRNA splicing.

Labcorp Genetics (formerly Invitae), Labcorp
Classification: Likely benign for Colorectal cancer, hereditary nonpolyposis, type 7. Last evaluated: 2023-02-04. Review status: criteria provided, single submitter. Criteria: Invitae Variant Classification Sherloc (09022015). Collection method: clinical testing. Allele origin: germline.